The following is an entry in ClinVar:

NM_006361.6(HOXB13):c.540C>A (p.Ser180Arg)

Gene: HOXB13 (homeobox B13; minus strand). Cytogenetic location: 17q21.32.
Variant type: single nucleotide variant.
Coding change: c.540C>A on transcript NM_006361.6 (MANE Select); coding-DNA position 540, C replaced by A.
Protein change: p.Ser180Arg; replaces serine 180 with arginine.
Molecular consequence: missense variant.
Genome position (GRCh38, 1-based): chr17:48,728,054, G>T on the plus strand (C>A on the coding strand, the complement: HOXB13 is on the minus strand). VCF-style: chr17-48728054-G-T. GRCh37 (hg19) VCF-style: chr17-46805416-G-T.
Other names: c.540C>A (NM_006361.5); short protein forms S180R.
Identifiers: ClinVar variation 1004751 (VCV001004751.10), dbSNP rs2038230633, ClinGen allele CA400107233.
Genomic context (GRCh38, chr17:48,728,054, plus strand): 5'-TGCAAATGCTGCCTTCCAAAAGGGACCTGGTGGGTTCTGTTCTCCCTGGCAACACATCTG[G>T]CTGTTCCAGCCACCAGCGAGAGCCCAAGACTGGTAACTGTCCACAGGCAACAGGGAGTCA-3'
Protein context (NP_006352.2, residues 170-190): QSWALAGGWN[Ser180Arg]QMCCQGEQNP

ClinVar aggregate classification (germline): Uncertain significance. Review status: criteria provided, multiple submitters, no conflicts (2 of 4 stars). 2 submissions from 2 submitters: Uncertain significance (2). Last evaluated 2024-11-21.

Conditions:
Hereditary cancer-predisposing syndrome. Also called: Hereditary neoplastic syndrome; Neoplastic Syndromes, Hereditary; Tumor predisposition; Hereditary Cancer Syndrome. Identifiers: Orphanet 140162, MedGen C0027672, MeSH D009386, MONDO:0015356.

Submissions (2):

Ambry Genetics
Classification: Uncertain significance for Hereditary cancer-predisposing syndrome. Last evaluated: 2024-11-21. Review status: criteria provided, single submitter. Criteria: Ambry Variant Classification Scheme 2023. Collection method: clinical testing. Allele origin: germline.
Comment: The p.S180R variant (also known as c.540C>A), located in coding exon 1 of the HOXB13 gene, results from a C to A substitution at nucleotide position 540. The serine at codon 180 is replaced by arginine, an amino acid with dissimilar properties. This amino acid position is conserved. In addition, this alteration is predicted to be tolerated by in silico analysis. Based on the available evidence, the clinical significance of this variant remains unclear.

Labcorp Genetics (formerly Invitae), Labcorp
Classification: Uncertain significance. Last evaluated: 2020-01-31. Review status: criteria provided, single submitter. Criteria: Invitae Variant Classification Sherloc (09022015). Collection method: clinical testing. Allele origin: germline.
Comment: In summary, the available evidence is currently insufficient to determine the role of this variant in disease. Therefore, it has been classified as a Variant of Uncertain Significance. Algorithms developed to predict the effect of missense changes on protein structure and function (SIFT, PolyPhen-2, Align-GVGD) all suggest that this variant is likely to be tolerated, but these predictions have not been confirmed by published functional studies and their clinical significance is uncertain. This variant has not been reported in the literature in individuals with HOXB13-related conditions. This variant is not present in population databases (ExAC no frequency). This sequence change replaces serine with arginine at codon 180 of the HOXB13 protein (p.Ser180Arg). The serine residue is weakly conserved and there is a moderate physicochemical difference between serine and arginine.